The following is an entry in ClinVar:

NM_006206.6(PDGFRA):c.3239C>T (p.Ser1080Phe)

Gene: PDGFRA (platelet derived growth factor receptor alpha; plus strand). Cytogenetic location: 4q12.
Variant type: single nucleotide variant.
Coding change: c.3239C>T on transcript NM_006206.6 (MANE Select); coding-DNA position 3239, C replaced by T.
Protein change: p.Ser1080Phe; replaces serine 1080 with phenylalanine.
Molecular consequence: missense variant.
Genome position (GRCh38, 1-based): chr4:54,295,241, C>T. VCF-style: chr4-54295241-C-T. GRCh37 (hg19) VCF-style: chr4-55161408-C-T.
Other names: c.3314C>T, p.Ser1105Phe (NM_001347828.2); c.3239C>T, p.Ser1080Phe (NM_001347829.2); c.3278C>T, p.Ser1093Phe (NM_001347830.2); short protein forms S1105F, S1080F, S1093F.
Identifiers: ClinVar variation 4725369 (VCV004725369.2).
Genomic context (GRCh38, chr4:54,295,241, plus strand): 5'-TCAAGAGAGAGGACGAGACCATTGAAGACATCGACATGATGGATGACATCGGCATAGACT[C>T]TTCAGACCTGGTGGAAGACAGCTTCCTGTAACTGGCGGATTCGAGGGGTTCCTTCCACTT-3'
Protein context (NP_006197.1, residues 1070-1089): IDMMDDIGID[Ser1080Phe]SDLVEDSFL

ClinVar aggregate classification (germline): Uncertain significance. Review status: criteria provided, multiple submitters, no conflicts (2 of 4 stars). 2 submissions from 2 submitters: Uncertain significance (2). Last evaluated 2026-07-13.

Conditions:
Gastrointestinal stromal tumor. Also called: Gastrointestinal stroma tumor; Gastrointestinal stromal tumor, somatic. Identifiers: Orphanet 44890, MedGen C0238198, MeSH D046152, MONDO:0011719, OMIM 606764, HP:0100723.
Hereditary cancer-predisposing syndrome. Also called: Hereditary Cancer Syndrome; Hereditary neoplastic syndrome; Neoplastic Syndromes, Hereditary; Tumor predisposition. Identifiers: Orphanet 140162, MedGen C0027672, MeSH D009386, MONDO:0015356.

Submissions (2):

Ambry Genetics
Classification: Uncertain significance for Hereditary cancer-predisposing syndrome. Last evaluated: 2026-07-13. Review status: criteria provided, single submitter. Criteria: Ambry Variant Classification Scheme 2023. Collection method: clinical testing. Allele origin: germline.
Comment: The p.S1080F variant (also known as c.3239C>T), located in coding exon 22 of the PDGFRA gene, results from a C to T substitution at nucleotide position 3239. The serine at codon 1080 is replaced by phenylalanine, an amino acid with highly dissimilar properties. This amino acid position is conserved. In addition, this alteration is predicted to be tolerated by in silico analysis. Based on the available evidence, the clinical significance of this variant remains unclear.

Labcorp Genetics (formerly Invitae), Labcorp
Classification: Uncertain significance for Gastrointestinal stromal tumor. Last evaluated: 2025-08-13. Review status: criteria provided, single submitter. Criteria: Invitae Variant Classification Sherloc (09022015). Collection method: clinical testing. Allele origin: germline.
Comment: This sequence change replaces serine, which is neutral and polar, with phenylalanine, which is neutral and non-polar, at codon 1080 of the PDGFRA protein (p.Ser1080Phe). This variant is not present in population databases (gnomAD no frequency). This variant has not been reported in the literature in individuals affected with PDGFRA-related conditions. An algorithm developed to predict the effect of missense changes on protein structure and function (PolyPhen-2) suggests that this variant is likely to be tolerated. In summary, the available evidence is currently insufficient to determine the role of this variant in disease. Therefore, it has been classified as a Variant of Uncertain Significance.